The following is an entry in ClinVar:

NM_015425.6(POLR1A):c.4018C>T (p.Arg1340Cys)

Gene: POLR1A (RNA polymerase I subunit A; minus strand). Cytogenetic location: 2p11.2.
Variant type: single nucleotide variant.
Coding change: c.4018C>T on transcript NM_015425.6 (MANE Select); coding-DNA position 4018, C replaced by T.
Protein change: p.Arg1340Cys; replaces arginine 1340 with cysteine.
Molecular consequence: missense variant.
Genome position (GRCh38, 1-based): chr2:86,038,716, G>A on the plus strand (C>T on the coding strand, the complement: POLR1A is on the minus strand). VCF-style: chr2-86038716-G-A. GRCh37 (hg19) VCF-style: chr2-86265839-G-A.
Other names: c.4018C>T (NM_015425.3); short protein forms R1340C.
Identifiers: ClinVar variation 1402885 (VCV001402885.9), dbSNP rs1186042105, ClinGen allele CA347549924.

ClinVar aggregate classification (germline): Uncertain significance. Review status: criteria provided, multiple submitters, no conflicts (2 of 4 stars). 2 submissions from 2 submitters: Uncertain significance (2). Last evaluated 2025-05-19.

Conditions:
Inborn genetic diseases. Identifiers: MedGen C0950123, MeSH D030342.

Allele frequency attached by ClinVar (database versions not stated): gnomAD exomes 0.00001 and 0.00003; TOPMed 0.00006; gnomAD 0.00008 and 0.00009.
gnomAD v4.1: 35 of 1,613,582 alleles (0.0022%); highest among the groups gnomAD compares: Admixed American, 0.03%; no homozygotes.

Submissions (2):

Labcorp Genetics (formerly Invitae), Labcorp
Classification: Uncertain significance. Last evaluated: 2025-05-19. Review status: criteria provided, single submitter. Criteria: Invitae Variant Classification Sherloc (09022015). Collection method: clinical testing. Allele origin: germline.
Comment: This sequence change replaces arginine, which is basic and polar, with cysteine, which is neutral and slightly polar, at codon 1340 of the POLR1A protein (p.Arg1340Cys). This variant is present in population databases (no rsID available, gnomAD 0.02%). This variant has not been reported in the literature in individuals affected with POLR1A-related conditions. ClinVar contains an entry for this variant (Variation ID: 1402885). Invitae Evidence Modeling of protein sequence and biophysical properties (such as structural, functional, and spatial information, amino acid conservation, physicochemical variation, residue mobility, and thermodynamic stability) indicates that this missense variant is expected to disrupt POLR1A protein function with a positive predictive value of 80%. In summary, the available evidence is currently insufficient to determine the role of this variant in disease. Therefore, it has been classified as a Variant of Uncertain Significance.

Ambry Genetics
Classification: Uncertain significance for Inborn genetic diseases. Last evaluated: 2021-07-13. Review status: criteria provided, single submitter. Criteria: Ambry Variant Classification Scheme 2023. Collection method: clinical testing. Allele origin: germline.